The following is an entry in ClinVar:

ClinVar aggregate classification (germline): Uncertain significance. Review status: criteria provided, multiple submitters, no conflicts (2 of 4 stars). 2 submissions from 2 submitters: Uncertain significance (2). Last evaluated 2023-11-20.

Conditions:
Intellectual developmental disorder, autosomal dominant 6, with or without seizures. Also called: Intellectual disability, autosomal dominant 6; GRIN2B-related developmental delay, intellectual disability and autism spectrum disorder. Identifiers: Orphanet 589547, MedGen C3151411, MONDO:0013509, OMIM 613970.
Developmental and epileptic encephalopathy, 27 (DEE27). Also called: Epileptic encephalopathy, early infantile, 27; GRIN2B-Related Neurodevelopmental Disorder. Identifiers: Orphanet 3451, MedGen C4015316, MONDO:0014505, OMIM 616139.

Allele frequency attached by ClinVar (database versions not stated): gnomAD exomes below 0.00001; gnomAD 0.00001; TOPMed 0.00001.
gnomAD v4.1: 24 of 1,614,010 alleles (0.0015%); highest among the groups gnomAD compares: Non-Finnish European, 0.0018%; no homozygotes.

Submissions (2):

Labcorp Genetics (formerly Invitae), Labcorp
Classification: Uncertain significance for Developmental and epileptic encephalopathy, 27; Intellectual developmental disorder, autosomal dominant 6, with or without seizures. Last evaluated: 2023-11-20. Review status: criteria provided, single submitter. Criteria: Invitae Variant Classification Sherloc (09022015). Collection method: clinical testing. Allele origin: germline.
Comment: This sequence change replaces serine, which is neutral and polar, with isoleucine, which is neutral and non-polar, at codon 1019 of the GRIN2B protein (p.Ser1019Ile). This variant is present in population databases (rs200265732, gnomAD 0.002%). This variant has not been reported in the literature in individuals affected with GRIN2B-related conditions. ClinVar contains an entry for this variant (Variation ID: 234738). Advanced modeling of protein sequence and biophysical properties (such as structural, functional, and spatial information, amino acid conservation, physicochemical variation, residue mobility, and thermodynamic stability) performed at Invitae indicates that this missense variant is not expected to disrupt GRIN2B protein function with a negative predictive value of 95%. In summary, the available evidence is currently insufficient to determine the role of this variant in disease. Therefore, it has been classified as a Variant of Uncertain Significance.

GeneDx
Classification: Uncertain significance. Last evaluated: 2016-12-02. Review status: criteria provided, single submitter. Criteria: GeneDx Variant Classification (06012015). Collection method: clinical testing. Allele origin: germline. Affected: yes.
Comment: The S1019I variant has not been published as a pathogenic variant, nor has it been reported as a benign variant to our knowledge. It was not observed in approximately 6,500 individuals of European and African American ancestry in the NHLBI Exome Sequencing Project, indicating it is not a common benign variant in these populations. The S1019I variant is a non-conservative amino acid substitution, which is likely to impact secondary protein structure as these residues differ in polarity, charge, size and/or other properties. However, this substitution occurs at a position that is not conserved, and in silico analysis is inconsistent in its predictions as to whether or not the variant is damaging to the protein structure/function. Therefore, based on the currently available information, it is unclear whether this variant is a pathogenic variant or a rare benign variant.

NM_000834.5(GRIN2B):c.3056G>T (p.Ser1019Ile)

Gene: GRIN2B (glutamate ionotropic receptor NMDA type subunit 2B; minus strand). Cytogenetic location: 12p13.1.
Variant type: single nucleotide variant.
Coding change: c.3056G>T on transcript NM_000834.5 (MANE Select); coding-DNA position 3056, G replaced by T.
Protein change: p.Ser1019Ile; replaces serine 1019 with isoleucine.
Molecular consequence: missense variant.
Genome position (GRCh38, 1-based): chr12:13,564,182, C>A on the plus strand (G>T on the coding strand, the complement: GRIN2B is on the minus strand). VCF-style: chr12-13564182-C-A. GRCh37 (hg19) VCF-style: chr12-13717116-C-A.
Other names: short protein forms S1019I.
Identifiers: ClinVar variation 234738 (VCV000234738.5), dbSNP rs200265732, ClinGen allele CA10577439.
Genomic context (GRCh38, chr12:13,564,182, plus strand): 5'-TACAGGTCACTGAGCTGGCTGTGCTTGGAGGAGGGGAGGCCGATGTCCAGGGGCTTCTTG[C>A]TGATGGACCTGGACTGGGTGGTGAAGGGTGGGTTGTCACAGTCGTAGAGCCCATCGATGG-3'
Protein context (NP_000825.2, residues 1009-1029): PPFTTQSRSI[Ser1019Ile]KKPLDIGLPS